The following is an entry in ClinVar:

NM_001143820.2(ETS1):c.37G>C (p.Val13Leu)

Gene: ETS1 (ETS proto-oncogene 1, transcription factor; minus strand). Cytogenetic location: 11q24.3.
Variant type: single nucleotide variant.
Coding change: c.37G>C on transcript NM_001143820.2 (MANE Select); coding-DNA position 37, G replaced by C.
Protein change: p.Val13Leu; replaces valine 13 with leucine.
Molecular consequence: missense variant.
Genome position (GRCh38, 1-based): chr11:128,573,094, C>G on the plus strand (G>C on the coding strand, the complement: ETS1 is on the minus strand). VCF-style: chr11-128573094-C-G. GRCh37 (hg19) VCF-style: chr11-128442989-C-G.
Other names: short protein forms V13L.
Identifiers: ClinVar variation 5039272 (VCV005039272.1).
Genomic context (GRCh38, chr11:128,573,094, plus strand): 5'-AAGGGGCAGGGAAGGGGCCACCACTCACCACCACTGCAGGACGAGGCGCTGAGTAAGGGA[C>G]GGGGCTGCTCCCAGCAGAATCCACAAAGTAGCTCATTCTGCTCTCAGCACCTGTGTGAGA-3'
Protein context (NP_001137292.1, residues 3-23): YFVDSAGSSP[Val13Leu]PYSAPRPAVV

ClinVar aggregate classification (germline): Likely benign (1 of 4 stars; one submission).

gnomAD v4.1: 28 of 1,602,836 alleles (0.0017%); highest among the groups gnomAD compares: East Asian, 0.043%; no homozygotes.

Submission:

CeGaT Center for Human Genetics Tuebingen
Classification: Likely benign. Last evaluated: 2026-08-01. Review status: criteria provided, single submitter. Criteria: CeGaT Center For Human Genetics Tuebingen Variant Classification Criteria Version 2. Collection method: clinical testing. Allele origin: germline. Affected: yes. Observed: 1 variant allele.
Comment: ETS1: BP4